The following is an entry in ClinVar:

NM_000179.3(MSH6):c.616_627+37delinsC

Gene: MSH6 (mutS homolog 6; plus strand). Cytogenetic location: 2p16.3.
Variant type: Indel.
Coding change: c.616_627+37delinsC on transcript NM_000179.3 (MANE Select); coding-DNA position 616 through 37 bases into the intron after coding-DNA position 627, the reference bases replaced by C.
Molecular consequence: splice donor variant. On other transcripts: intron variant (8).
Genome position (GRCh38, 1-based): chr2:47,796,052-47,796,100, 49 bases replaced. GRCh37 (hg19): chr2:48,023,191-48,023,239.
Other names: c.319_330+37delinsC (NM_001406824.1, NM_001406820.1, NM_001406830.1 and 10 more transcripts); c.-279-2559_-279-2511delinsC (NM_001406823.1, NM_001406811.1, NM_001281493.2 and 4 more transcripts); c.-287_-276+37delinsC (NM_001281494.2); c.616_627+37delinsC (NM_001406809.1, NM_001406796.1, NM_001406808.1 and 5 more transcripts); c.712_723+37delinsC (NM_001406795.1, NM_001406802.1); c.622_633+37delinsC (NM_001406813.1); c.91_102+37delinsC (NM_001406807.1, NM_001406799.1, NM_001406806.1); c.-379_-368+37delinsC (NM_001406814.1); and 3 more.
Identifiers: ClinVar variation 2673585 (VCV002673585.1), dbSNP rs2530524190, ClinGen allele CA2695200234.

ClinVar aggregate classification (germline): Likely pathogenic (1 of 4 stars; one submission).

Conditions:
Lynch syndrome 5 (LYNCH5). Also called: Colorectal cancer, hereditary nonpolyposis, type 5; Hereditary non-polyposis colorectal cancer, type 5. Identifiers: Orphanet 144, MedGen C1833477, MONDO:0013710, OMIM 614350. Disease mechanism: loss of function.

Submission:

Myriad Genetics, Inc.
Classification: Likely pathogenic for Lynch syndrome 5. Last evaluated: 2023-08-10. Review status: criteria provided, single submitter. Criteria: Myriad Autosomal Dominant, Autosomal Recessive and X-Linked Classification Criteria (2023). Collection method: clinical testing. Allele origin: unknown.
Comment: This variant is considered likely pathogenic. This variant occurs within a consensus splice junction and is predicted to result in abnormal mRNA splicing of either an out-of-frame exon or an in-frame exon necessary for protein stability and/or normal function.